The following is an entry in ClinVar:

NM_182961.4(SYNE1):c.9973-16G>C

Gene: SYNE1 (spectrin repeat containing nuclear envelope protein 1; minus strand). Cytogenetic location: 6q25.2.
Variant type: single nucleotide variant.
Coding change: c.9973-16G>C on transcript NM_182961.4 (MANE Select); 16 bases into the intron before coding-DNA position 9973, G replaced by C.
Molecular consequence: intron variant.
Genome position (GRCh38, 1-based): chr6:152,365,035, C>G on the plus strand (G>C on the coding strand, the complement: SYNE1 is on the minus strand). VCF-style: chr6-152365035-C-G. GRCh37 (hg19) VCF-style: chr6-152686170-C-G.
Other names: c.9994-16G>C (NM_033071.5).
Identifiers: ClinVar variation 514915 (VCV000514915.5), dbSNP rs1200216933, ClinGen allele CA571136307.

ClinVar aggregate classification (germline): Likely benign. Review status: criteria provided, multiple submitters, no conflicts (2 of 4 stars). 2 submissions from 2 submitters: Likely benign (2). Last evaluated 2024-10-22.

Conditions:
Emery-Dreifuss muscular dystrophy 4, autosomal dominant (EDMD4). Also called: EMERY-DREIFUSS MUSCULAR DYSTROPHY 4 WITH VARIABLE FEATURES. Identifiers: Orphanet 261, MedGen C2751807, MONDO:0013071, OMIM 612998.
Autosomal recessive ataxia, Beauce type. Also called: SYNE1 Deficiency; Spinocerebellar ataxia, autosomal recessive 8; ATAXIA, RECESSIVE, OF BEAUCE; SYNE1-Related Autosomal Recessive Cerebellar Ataxia. Identifiers: Orphanet 88644, MedGen C1853116, MONDO:0012549, OMIM 610743.

Allele frequency attached by ClinVar (database versions not stated): gnomAD exomes 0.00002.
gnomAD v4.1: 4 of 1,614,070 alleles (0.00025%); highest among the groups gnomAD compares: Admixed American, 0.005%; no homozygotes.

Submissions (2):

Labcorp Genetics (formerly Invitae), Labcorp
Classification: Likely benign for Emery-Dreifuss muscular dystrophy 4, autosomal dominant; Autosomal recessive ataxia, Beauce type. Last evaluated: 2024-10-22. Review status: criteria provided, single submitter. Criteria: Invitae Variant Classification Sherloc (09022015). Collection method: clinical testing. Allele origin: germline.

GeneDx
Classification: Likely benign. Last evaluated: 2018-02-09. Review status: criteria provided, single submitter. Criteria: GeneDx Variant Classification (06012015). Collection method: clinical testing. Allele origin: germline. Affected: yes.
Comment: This variant is considered likely benign or benign based on one or more of the following criteria: it is a conservative change, it occurs at a poorly conserved position in the protein, it is predicted to be benign by multiple in silico algorithms, and/or has population frequency not consistent with disease.